The following is an entry in ClinVar:

ClinVar aggregate classification (germline): Uncertain significance. Review status: criteria provided, multiple submitters, no conflicts (2 of 4 stars). 2 submissions from 2 submitters: Uncertain significance (2). Last evaluated 2025-06-11.

Conditions:
RYR1-related disorder. Also called: RYR1-related condition; RYR1-related disorders. Identifiers: MedGen CN239331.

gnomAD v4.1: 18 of 1,612,360 alleles (0.0011%); highest among the groups gnomAD compares: Non-Finnish European, 0.0014%; no homozygotes.

Submissions (2):

GeneDx
Classification: Uncertain significance. Last evaluated: 2025-06-11. Review status: criteria provided, single submitter. Criteria: GeneDx Variant Classification Process June 2021. Collection method: clinical testing. Allele origin: germline. Affected: yes.
Comment: Not observed at significant frequency in large population cohorts (gnomAD); In silico analysis supports that this missense variant has a deleterious effect on protein structure/function; Has not been previously published as pathogenic or benign to our knowledge

Labcorp Genetics (formerly Invitae), Labcorp
Classification: Uncertain significance for RYR1-related disorder. Last evaluated: 2024-06-29. Review status: criteria provided, single submitter. Criteria: Invitae Variant Classification Sherloc (09022015). Collection method: clinical testing. Allele origin: germline.
Comment: This sequence change replaces proline, which is neutral and non-polar, with leucine, which is neutral and non-polar, at codon 1022 of the RYR1 protein (p.Pro1022Leu). This variant is present in population databases (rs144830213, gnomAD 0.003%). This variant has not been reported in the literature in individuals affected with RYR1-related conditions. Advanced modeling of protein sequence and biophysical properties (such as structural, functional, and spatial information, amino acid conservation, physicochemical variation, residue mobility, and thermodynamic stability) performed at Invitae indicates that this missense variant is expected to disrupt RYR1 protein function with a positive predictive value of 95%. In summary, the available evidence is currently insufficient to determine the role of this variant in disease. Therefore, it has been classified as a Variant of Uncertain Significance.

NM_000540.3(RYR1):c.3065C>T (p.Pro1022Leu)

Gene: RYR1 (ryanodine receptor 1; plus strand). Cytogenetic location: 19q13.2.
Variant type: single nucleotide variant.
Coding change: c.3065C>T on transcript NM_000540.3 (MANE Select); coding-DNA position 3065, C replaced by T.
Protein change: p.Pro1022Leu; replaces proline 1022 with leucine.
Molecular consequence: missense variant.
Genome position (GRCh38, 1-based): chr19:38,466,285, C>T. VCF-style: chr19-38466285-C-T. GRCh37 (hg19) VCF-style: chr19-38956925-C-T.
Other names: c.3065C>T, p.Pro1022Leu (NM_001042723.2); short protein forms P1022L.
Identifiers: ClinVar variation 3665220 (VCV003665220.2).